The following is an entry in ClinVar:

NM_007294.4(BRCA1):c.594-458T>C

Gene: BRCA1 (BRCA1 DNA repair associated; minus strand). Cytogenetic location: 17q21.31.
Variant type: single nucleotide variant.
Coding change: c.594-458T>C on transcript NM_007294.4 (MANE Select); 458 bases into the intron before coding-DNA position 594, T replaced by C.
Molecular consequence: intron variant.
Genome position (GRCh38, 1-based): chr17:43,096,380, A>G on the plus strand (T>C on the coding strand, the complement: BRCA1 is on the minus strand). VCF-style: chr17-43096380-A-G. GRCh37 (hg19) VCF-style: chr17-41248397-A-G.
Other names: c.594-458T>C (NM_001407621.1, NM_001407593.1, NM_001407980.1 and 58 more transcripts); c.453-458T>C (NM_001408458.1, NM_001408469.1, NM_001408453.1 and 43 more transcripts); c.-218-1520T>C (NM_001407967.1, NM_001407966.1); c.213-458T>C (NM_001407959.1, NM_001408510.1, NM_001407963.1 and 1 more transcripts); c.404-1520T>C (NM_001407931.1, NM_001407932.1, NM_001408503.1 and 5 more transcripts); c.450-458T>C (NM_001407747.1, NM_001408470.1, NM_001407848.1 and 26 more transcripts); c.210-458T>C (NM_001407962.1); c.167-1520T>C (NM_001408512.1, NM_001407965.1); and 17 more.
Identifiers: ClinVar variation 264836 (VCV000264836.2), dbSNP rs537806106, ClinGen allele CA10588227.

ClinVar aggregate classification (germline): Benign (3 of 4 stars; one submission).

Conditions:
Breast-ovarian cancer, familial, susceptibility to, 1 (BROVCA1). Also called: BRCA1 Hereditary Breast and Ovarian Cancer; OVARIAN CANCER, SUSCEPTIBILITY TO. Identifiers: Orphanet 145, MedGen C2676676, MONDO:0011450, OMIM 604370. Disease mechanism: loss of function.

Allele frequency attached by ClinVar (database versions not stated): TOPMed 0.00362; 1000 Genomes Project 30x 0.00422; 1000 Genomes Project 0.00459.
gnomAD v4.1: 460 of 149,988 alleles (0.31%); highest among the groups gnomAD compares: African/African-American, 1%; 3 homozygotes.

Submission:

Evidence-based Network for the Interpretation of Germline Mutant Alleles (ENIGMA)
Classification: Benign for Breast-ovarian cancer, familial, susceptibility to, 1. Last evaluated: 2016-09-28. Review status: reviewed by expert panel. Criteria: ENIGMA BRCA1/2 Classification Criteria (2015). Collection method: curation. Allele origin: germline.
Comment: Class 1 not pathogenic based on frequency >1% in an outbred sampleset. Frequency 0.0159 (African), derived from 1000 genomes (2013-05-02).